The following is an entry in ClinVar:

ClinVar aggregate classification (germline): Conflicting classifications of pathogenicity. Review status: criteria provided, conflicting classifications (1 of 4 stars). 4 submissions from 4 submitters: Uncertain significance (1); Likely benign (2). 1 of the submissions does not count toward it. Last evaluated 2022-03-08.

Conditions:
Collagen 6-related myopathy. Identifiers: MedGen CN117976, MONDO:0100225.
Bethlem myopathy 1A. Also called: Bethlem myopathy 1; MYOPATHY, BENIGN CONGENITAL, WITH CONTRACTURES; Bethlem Muscular Dystrophy. Identifiers: Orphanet 610, MedGen CN029274, MONDO:0024530, OMIM 158810.

Allele frequency attached by ClinVar (database versions not stated): gnomAD exomes 0.00003 and 0.00008; ExAC 0.00012; 1000 Genomes Project 30x 0.00016; ESP Exome Variant Server 0.00023; gnomAD 0.00023 and 0.00026; TOPMed 0.00024; 1000 Genomes Project 0.00060.
gnomAD v4.1: 77 of 1,588,418 alleles (0.0048%); highest among the groups gnomAD compares: African/African-American, 0.059%; no homozygotes.

Submissions (4):

Labcorp Genetics (formerly Invitae), Labcorp
Classification: Likely benign for Bethlem myopathy 1A. Last evaluated: 2022-03-08. Review status: criteria provided, single submitter. Criteria: Invitae Variant Classification Sherloc (09022015). Collection method: clinical testing. Allele origin: germline.

Illumina Laboratory Services, Illumina
Classification: Likely benign for Collagen VI-related myopathy. Last evaluated: 2018-01-12. Review status: criteria provided, single submitter. Criteria: ICSL Variant Classification Criteria 13 December 2019. Collection method: clinical testing. Allele origin: germline.
Comment: This variant was observed in the ICSL laboratory as part of a predisposition screen in an ostensibly healthy population. It had not been previously curated by ICSL or reported in the Human Gene Mutation Database (HGMD: prior to June 1st, 2018), and was therefore a candidate for classification through an automated scoring system. Utilizing variant allele frequency, disease prevalence and penetrance estimates, and inheritance mode, an automated score was calculated to assess if this variant is too frequent to cause the disease. Based on the score and internal cut-off values, a variant classified as likely benign is not then subjected to further curation. The score for this variant resulted in a classification of likely benign for this disease.

Eurofins Ntd Llc (ga)
Classification: Uncertain significance. Last evaluated: 2015-12-11. Review status: criteria provided, single submitter. Criteria: EGL Classification Definitions 2015. Collection method: clinical testing. Allele origin: germline. Observed: 1 variant allele, 1 heterozygote.

Lupski Lab, Baylor-Hopkins CMG, Baylor College of Medicine
Classification: Uncertain significance for Bethlem myopathy 1A. Review status: no assertion criteria provided. Collection method: research. Allele origin: inherited, unknown. Inheritance: Autosomal recessive inheritance. Affected: yes and no. Observed: 6 variant alleles, 2 heterozygotes, 1 homozygote. Not counted in ClinVar's aggregate classification.

Literature cited by the submitters: PubMed 26752647 (cited by Lupski Lab, Baylor-Hopkins CMG, Baylor College of Medicine).

NM_001849.4(COL6A2):c.*5G>A

Gene: COL6A2 (collagen type VI alpha 2 chain; plus strand). Cytogenetic location: 21q22.3.
Variant type: single nucleotide variant.
Coding change: c.*5G>A on transcript NM_001849.4 (MANE Select); 5 bases downstream of the stop codon, G replaced by A.
Molecular consequence: 3 prime UTR variant.
Genome position (GRCh38, 1-based): chr21:46,132,557, G>A. VCF-style: chr21-46132557-G-A. GRCh37 (hg19) VCF-style: chr21-47552471-G-A.
Identifiers: ClinVar variation 284976 (VCV000284976.19), dbSNP rs377195134, ClinGen allele CA10073165.